The following is an entry in ClinVar:

ClinVar aggregate classification (germline): Conflicting classifications of pathogenicity. Review status: criteria provided, conflicting classifications (1 of 4 stars). 5 submissions from 5 submitters: Uncertain significance (1); Likely benign (2). 2 of the submissions do not count toward it. Last evaluated 2026-01-27.

Conditions:
BCKDHB-related disorder. Also called: BCKDHB-related condition.
Maple syrup urine disease type 1A (MSUD1A). Also called: MSUD type 1A. Identifiers: MedGen C1855369, MONDO:0023691, OMIM 248600.
Maple syrup urine disease type 1B (MSUD1B). Also called: MSUD type IB; MSUD type 3 (formerly); MSUD due to deficiency of e1-beta subunit of branched-chain alpha-keto acid dehydrogenase complex. Identifiers: MedGen C2930990, MONDO:0023692, OMIM 620698.
Maple syrup urine disease (MSUD). Identifiers: Orphanet 511, MedGen C0024776, MeSH D008375, MONDO:0009563. Disease mechanism: loss of function.

Allele frequency attached by ClinVar (database versions not stated): 1000 Genomes Project 30x 0.00047; 1000 Genomes Project 0.00060; TOPMed 0.00081; gnomAD 0.00086; ESP Exome Variant Server 0.00100.
gnomAD v4.1: 253 of 1,613,628 alleles (0.016%); highest among the groups gnomAD compares: African/African-American, 0.32%; no homozygotes.

Submissions (6):

Labcorp Genetics (formerly Invitae), Labcorp
Classification: Likely benign for Maple syrup urine disease. Last evaluated: 2026-01-27. Review status: criteria provided, single submitter. Criteria: Invitae Variant Classification Sherloc (09022015). Collection method: clinical testing. Allele origin: germline.

Fulgent Genetics
Classification: Likely benign for Maple syrup urine disease type 1A. Last evaluated: 2021-07-23. Review status: criteria provided, single submitter. Criteria: ACMG Guidelines, 2015. Collection method: clinical testing. Allele origin: unknown.

Revvity Omics, Revvity
Classification: Uncertain significance for Maple syrup urine disease type 1A. Last evaluated: 2020-11-09. Review status: criteria provided, single submitter. Criteria: ACMG Guidelines, 2015. Collection method: clinical testing. Allele origin: germline.

PreventionGenetics, part of Exact Sciences
Classification: Likely benign for BCKDHB-related condition. Last evaluated: 2023-04-08. Review status: no assertion criteria provided. Collection method: clinical testing. Allele origin: germline. Not counted in ClinVar's aggregate classification.
Comment: This variant is classified as likely benign based on ACMG/AMP sequence variant interpretation guidelines (Richards et al. 2015 PMID: 25741868, with internal and published modifications).

Natera, Inc.
Classification: Uncertain significance for Maple syrup urine disease type 1B. Last evaluated: 2020-04-13. Review status: no assertion criteria provided. Collection method: clinical testing. Allele origin: germline. Not counted in ClinVar's aggregate classification.

Dr. Peter K. Rogan Lab, Western University
No classification provided (evidence only). Condition: Familial cancer of breast. Review status: no classification provided. Collection method: in vitro. Allele origin: not applicable. Functional consequence: retained intron. Not counted in ClinVar's aggregate classification.

NM_183050.4(BCKDHB):c.633G>C (p.Lys211Asn)

Gene: BCKDHB (branched chain keto acid dehydrogenase E1 subunit beta; plus strand). Cytogenetic location: 6q14.1.
Variant type: single nucleotide variant.
Coding change: c.633G>C on transcript NM_183050.4 (MANE Select); coding-DNA position 633, G replaced by C.
Protein change: p.Lys211Asn; replaces lysine 211 with asparagine.
Molecular consequence: missense variant. On other transcripts: non-coding transcript variant (1).
Genome position (GRCh38, 1-based): chr6:80,169,030, G>C. VCF-style: chr6-80169030-G-C. GRCh37 (hg19) VCF-style: chr6-80878747-G-C.
Other names: c.633G>C, p.Lys211Asn (NM_000056.5); c.423G>C, p.Lys141Asn (NM_001318975.1); c.633G>C (NM_183050.3); short protein forms K141N, K211N.
Identifiers: ClinVar variation 790932 (VCV000790932.18), dbSNP rs143427811, ClinGen allele CA3902660.